The following is an entry in ClinVar:

NM_015378.4(VPS13D):c.1456A>G (p.Met486Val)

Gene: VPS13D (vacuolar protein sorting 13 homolog D; plus strand). Cytogenetic location: 1p36.22.
Variant type: single nucleotide variant.
Coding change: c.1456A>G on transcript NM_015378.4 (MANE Select); coding-DNA position 1456, A replaced by G.
Protein change: p.Met486Val; replaces methionine 486 with valine.
Molecular consequence: missense variant.
Genome position (GRCh38, 1-based): chr1:12,261,942, A>G. VCF-style: chr1-12261942-A-G. GRCh37 (hg19) VCF-style: chr1-12321999-A-G.
Other names: c.1456A>G, p.Met486Val (NM_018156.4); short protein forms M486V.
Identifiers: ClinVar variation 3902893 (VCV003902893.1).

ClinVar aggregate classification (germline): Uncertain significance (1 of 4 stars; one submission).

Submission:

GeneDx
Classification: Uncertain significance. Last evaluated: 2024-12-10. Review status: criteria provided, single submitter. Criteria: GeneDx Variant Classification Process June 2021. Collection method: clinical testing. Allele origin: germline. Affected: yes.
Comment: In silico analysis indicates that this missense variant does not alter protein structure/function; Has not been previously published as pathogenic or benign to our knowledge